The following is an entry in ClinVar:

NM_001875.5(CPS1):c.3307C>T (p.Gln1103Ter)

Gene: CPS1 (carbamoyl-phosphate synthase 1; plus strand). Cytogenetic location: 2q34.
Variant type: single nucleotide variant.
Coding change: c.3307C>T on transcript NM_001875.5 (MANE Select); coding-DNA position 3307, C replaced by T.
Protein change: p.Gln1103Ter; replaces glutamine 1103 with a stop codon.
Molecular consequence: nonsense. On other transcripts: non-coding transcript variant (2).
Genome position (GRCh38, 1-based): chr2:210,648,028, C>T. VCF-style: chr2-210648028-C-T. GRCh37 (hg19) VCF-style: chr2-211512752-C-T.
Other names: c.3307C>T, p.Gln1103Ter (NM_001122633.3, NM_001369257.1); c.3340C>T, p.Gln1114Ter (NM_001369256.1); short protein forms Q1114*, Q1103*.
Identifiers: ClinVar variation 1452254 (VCV001452254.6), dbSNP rs1327048960, ClinGen allele CA350436359.

ClinVar aggregate classification (germline): Pathogenic (1 of 4 stars; one submission).

Conditions:
Congenital hyperammonemia, type I. Also called: Carbamoyl phosphate synthetase I deficiency disease; CPS I DEFICIENCY; Carbamoyl-phosphate synthase I deficiency; Carbamoyl phosphate synthetase 1 deficiency; Hyperammonemia due to carbamoyl phosphate synthetase 1 deficiency; CPS 1 deficiency. Identifiers: Orphanet 147, MedGen C4082171, MONDO:0009376, OMIM 237300.

Allele frequency attached by ClinVar (database versions not stated): gnomAD exomes below 0.00001.
gnomAD v4.1: 1 of 1,614,016 alleles (0.000062%); no homozygotes.

Submission:

Labcorp Genetics (formerly Invitae), Labcorp
Classification: Pathogenic for Congenital hyperammonemia, type I. Last evaluated: 2021-12-05. Review status: criteria provided, single submitter. Criteria: Invitae Variant Classification Sherloc (09022015). Collection method: clinical testing. Allele origin: germline.
Comment: This sequence change creates a premature translational stop signal (p.Gln1103*) in the CPS1 gene. It is expected to result in an absent or disrupted protein product. Loss-of-function variants in CPS1 are known to be pathogenic (PMID: 21120950). This variant is present in population databases (no rsID available, gnomAD no frequency). This variant has not been reported in the literature in individuals affected with CPS1-related conditions. For these reasons, this variant has been classified as Pathogenic.

Literature cited by the submitters: PubMed 21120950.